The following is an entry in ClinVar:

ClinVar aggregate classification (germline): Benign/Likely benign. Review status: criteria provided, multiple submitters, no conflicts (2 of 4 stars). 5 submissions from 5 submitters: Benign (2); Likely benign (3). Last evaluated 2026-01-27.

Conditions:
Autosomal recessive proximal renal tubular acidosis (PRTAO). Also called: RENAL TUBULAR ACIDOSIS, PROXIMAL, WITH OCULAR ABNORMALITIES AND IMPAIRED INTELLECTUAL DEVELOPMENT; PROXIMAL RENAL TUBULAR ACIDOSIS-OCULAR ANOMALY SYNDROME; RTA, PROXIMAL, AUTOSOMAL RECESSIVE; RENAL TUBULAR ACIDOSIS, PROXIMAL, WITH OCULAR ABNORMALITIES AND MENTAL RETARDATION. Identifiers: Orphanet 93607, MedGen C1970309, MONDO:0011422, OMIM 604278.

Allele frequency attached by ClinVar (database versions not stated): gnomAD exomes 0.00104 and 0.00268; ExAC 0.00342; 1000 Genomes Project 30x 0.01077; 1000 Genomes Project 0.01098; gnomAD 0.01099 and 0.01187; ESP Exome Variant Server 0.01223; TOPMed 0.01301.
gnomAD v4.1: 3,273 of 1,606,428 alleles (0.2%); highest among the groups gnomAD compares: African/African-American, 3.9%; 64 homozygotes.

Submissions (5):

Labcorp Genetics (formerly Invitae), Labcorp
Classification: Benign. Last evaluated: 2026-01-27. Review status: criteria provided, single submitter. Criteria: Invitae Variant Classification Sherloc (09022015). Collection method: clinical testing. Allele origin: germline.

Mayo Clinic Laboratories, Mayo Clinic
Classification: Likely benign. Last evaluated: 2025-11-09. Review status: criteria provided, single submitter. Criteria: ACMG Guidelines, 2015. Collection method: clinical testing. Allele origin: germline. Observed: 4 variant alleles.
Comment: BS2, BP4, BP7

Fulgent Genetics
Classification: Benign for Autosomal recessive proximal renal tubular acidosis. Last evaluated: 2021-07-21. Review status: criteria provided, single submitter. Criteria: ACMG Guidelines, 2015. Collection method: clinical testing. Allele origin: unknown.

Illumina Laboratory Services, Illumina
Classification: Likely benign for Autosomal recessive proximal renal tubular acidosis. Last evaluated: 2017-04-27. Review status: criteria provided, single submitter. Criteria: ICSL Variant Classification Criteria 13 December 2019. Collection method: clinical testing. Allele origin: germline.
Comment: This variant was observed as part of a predisposition screen in an ostensibly healthy population. A literature search was performed for the gene, cDNA change, and amino acid change (where applicable). No publications were found based on this search. Allele frequency data from public databases allowed determination this variant is unlikely to cause disease. Therefore, this variant is classified as likely benign.

Breakthrough Genomics
Classification: Likely benign. Review status: criteria provided, single submitter. Criteria: ACMG Guidelines, 2015. Collection method: not provided. Allele origin: germline. Inheritance: Autosomal recessive inheritance. Affected: yes.

NM_001098484.3(SLC4A4):c.2176C>T (p.Leu726=)

Gene: SLC4A4 (solute carrier family 4 member 4; plus strand). Cytogenetic location: 4q13.3.
Variant type: single nucleotide variant.
Coding change: c.2176C>T on transcript NM_001098484.3 (MANE Select); coding-DNA position 2176, C replaced by T.
Protein change: p.Leu726=; no amino-acid change (leucine 726 retained).
Molecular consequence: synonymous variant.
Genome position (GRCh38, 1-based): chr4:71,532,071, C>T. VCF-style: chr4-71532071-C-T. GRCh37 (hg19) VCF-style: chr4-72397788-C-T.
Other names: p.Leu726=; c.2176C>T, p.Leu726= (NM_001134742.2); c.2044C>T, p.Leu682= (NM_003759.4).
Identifiers: ClinVar variation 775987 (VCV000775987.16), dbSNP rs16846517, ClinGen allele CA2955039.